The following is an entry in ClinVar:

NM_001614.5(ACTG1):c.655G>A (p.Val219Ile)

Gene: ACTG1 (actin gamma 1; minus strand). Cytogenetic location: 17q25.3.
Variant type: single nucleotide variant.
Coding change: c.655G>A on transcript NM_001614.5 (MANE Select); coding-DNA position 655, G replaced by A.
Protein change: p.Val219Ile; replaces valine 219 with isoleucine.
Molecular consequence: missense variant. On other transcripts: non-coding transcript variant (1).
Genome position (GRCh38, 1-based): chr17:81,511,335, C>T on the plus strand (G>A on the coding strand, the complement: ACTG1 is on the minus strand). VCF-style: chr17-81511335-C-T. GRCh37 (hg19) VCF-style: chr17-79478361-C-T.
Other names: c.655G>A, p.Val219Ile (NM_001199954.3); c.655G>A (NM_001614.3); short protein forms V219I.
Identifiers: ClinVar variation 1333818 (VCV001333818.4), dbSNP rs2143777781, ClinGen allele CA401460237.

ClinVar aggregate classification (germline): Uncertain significance. Review status: criteria provided, multiple submitters, no conflicts (2 of 4 stars). 3 submissions from 3 submitters: Uncertain significance (3). Last evaluated 2025-12-22.

Conditions:
ACTG1-related disorder. Also called: ACTG1-related condition; ACTG1-related disorders.
Inborn genetic diseases. Identifiers: MedGen C0950123, MeSH D030342.
Baraitser-winter syndrome 2. Identifiers: Orphanet 2995, MedGen C3281235, MONDO:0013812, OMIM 614583.

Allele frequency attached by ClinVar (database versions not stated): gnomAD exomes below 0.00001.
gnomAD v4.1: 3 of 1,613,868 alleles (0.00019%); highest among the groups gnomAD compares: Non-Finnish European, 0.00025%; no homozygotes.

Submissions (3):

PreventionGenetics, part of Exact Sciences
Classification: Uncertain significance for ACTG1-related condition. Last evaluated: 2025-12-22. Review status: criteria provided, single submitter. Criteria: ACMG Guidelines, 2015. Collection method: clinical testing. Allele origin: germline.
Comment: The ACTG1 c.655G>A variant is predicted to result in the amino acid substitution p.Val219Ile. To our knowledge, this variant has not been reported in the literature or in a large population database, indicating this variant is rare. At this time, the clinical significance of this variant is uncertain due to the absence of conclusive functional and genetic evidence.

Ambry Genetics
Classification: Uncertain significance for Inborn genetic diseases. Last evaluated: 2025-05-25. Review status: criteria provided, single submitter. Criteria: Ambry Variant Classification Scheme 2023. Collection method: clinical testing. Allele origin: germline.

CENTOGENE GmbH and LLC - Guiding Precision Medicine
Classification: Uncertain significance for Baraitser-winter syndrome 2. Last evaluated: 2020-04-30. Review status: criteria provided, single submitter. Criteria: ACMG Guidelines, 2015. Collection method: clinical testing. Allele origin: germline.